The following is an entry in ClinVar:

ClinVar aggregate classification (germline): Uncertain significance (1 of 4 stars; one submission).

Conditions:
Hypertrophic cardiomyopathy 3. Also called: TPM1-Related Familial Hypertrophic Cardiomyopathy. Identifiers: MedGen C1861863, MONDO:0007267, OMIM 115196.

Submission:

3billion
Classification: Uncertain significance for Hypertrophic cardiomyopathy 3. Last evaluated: 2025-08-01. Review status: criteria provided, single submitter. Criteria: ACMG Guidelines, 2015. Collection method: clinical testing. Allele origin: germline. Affected: yes.
Comment: The variant is not observed in the gnomAD v4.1.0 dataset. Predicted Consequence/Location: Missense variant In silico tool predictions suggest damaging effect of the variant on gene or gene product [REVEL: 0.84 (>=0.6, sensitivity 0.68 and specificity 0.92); 3Cnet: 0.99 (> 0.75, sensitivity 0.96 and precision 0.92)]. Different missense changes at the same codon have been reported as of uncertain significance (ClinVar ID: VCV000036887, VCV003767303). Therefore, this variant is classified as VUS according to the recommendation of ACMG/AMP guideline.

NM_001018005.2(TPM1):c.675C>G (p.Ile225Met)

Gene: TPM1 (tropomyosin 1; plus strand). Cytogenetic location: 15q22.2.
Variant type: single nucleotide variant.
Coding change: c.675C>G on transcript NM_001018005.2 (MANE Select); coding-DNA position 675, C replaced by G.
Protein change: p.Ile225Met; replaces isoleucine 225 with methionine.
Molecular consequence: missense variant. On other transcripts: non-coding transcript variant (17).
Genome position (GRCh38, 1-based): chr15:63,062,250, C>G. VCF-style: chr15-63062250-C-G. GRCh37 (hg19) VCF-style: chr15-63354449-C-G.
Other names: c.675C>G, p.Ile225Met (NM_001365779.1, NM_001407325.1, NM_001407326.1 and 20 more transcripts); c.567C>G, p.Ile189Met (NM_001365780.1, NM_001365781.2, NM_001365782.1 and 9 more transcripts); c.801C>G, p.Ile267Met (NM_001407322.1, NM_001407323.1, NM_001407324.1 and 1 more transcripts); short protein forms I189M, I225M, I267M.
Identifiers: ClinVar variation 4854376 (VCV004854376.1).